The following is an entry in ClinVar:

NM_014712.3(SETD1A):c.3358+1G>C

Gene: SETD1A (SET domain containing 1A, histone lysine methyltransferase; plus strand). Cytogenetic location: 16p11.2.
Variant type: single nucleotide variant.
Coding change: c.3358+1G>C on transcript NM_014712.3 (MANE Select); the canonical splice donor site of the intron after coding-DNA position 3358, G replaced by C.
Molecular consequence: splice donor variant.
Genome position (GRCh38, 1-based): chr16:30,971,720, G>C. VCF-style: chr16-30971720-G-C. GRCh37 (hg19) VCF-style: chr16-30983041-G-C.
Identifiers: ClinVar variation 3317699 (VCV003317699.1).

ClinVar aggregate classification (germline): Uncertain significance (1 of 4 stars; one submission).

Conditions:
Inborn genetic diseases. Identifiers: MedGen C0950123, MeSH D030342.

Submission:

Ambry Genetics
Classification: Uncertain significance for Inborn genetic diseases. Last evaluated: 2024-03-28. Review status: criteria provided, single submitter. Criteria: Ambry Variant Classification Scheme 2023. Collection method: clinical testing. Allele origin: germline.
Comment: The c.3358+1G>C intronic variant results from a G to C substitution one nucleotide(s) after coding exon 12 of the SETD1A gene. Alterations that disrupt the canonical splice site are expected to cause aberrant splicing, resulting in an abnormal protein or a transcript that is subject to nonsense-mediated mRNA decay. This variant was not reported in population-based cohorts in the Genome Aggregation Database (gnomAD). This nucleotide position is highly conserved in available vertebrate species. In silico splice site analysis predicts that this alteration will weaken the native splice donor site. Based on insufficient or conflicting evidence, the clinical significance of this alteration remains unclear.